The following is an entry in ClinVar:

ClinVar aggregate classification (germline): Likely benign. Review status: criteria provided, multiple submitters, no conflicts (2 of 4 stars). 3 submissions from 3 submitters: Likely benign (3). Last evaluated 2025-09-21.

Conditions:
Sengers syndrome. Also called: MITOCHONDRIAL DNA DEPLETION SYNDROME 10 (CARDIOMYOPATHIC TYPE); Cardiomyopathy and cataract. Identifiers: Orphanet 1369, MedGen C1859317, MONDO:0008922, OMIM 212350.
Cataract 38. Also called: Cataract 38, autosomal recessive; Cataract, autosomal recessive congenital 5. Identifiers: Orphanet 91492, MedGen C3553494, MONDO:0013859, OMIM 614691.

Allele frequency attached by ClinVar (database versions not stated): gnomAD exomes 0.00002; ExAC 0.00004; TOPMed 0.00005; gnomAD 0.00006; ESP Exome Variant Server 0.00015.
gnomAD v4.1: 22 of 1,613,222 alleles (0.0014%); highest among the groups gnomAD compares: African/African-American, 0.0053%; no homozygotes.

Submissions (3):

Labcorp Genetics (formerly Invitae), Labcorp
Classification: Likely benign for Sengers syndrome; Cataract 38. Last evaluated: 2025-09-21. Review status: criteria provided, single submitter. Criteria: Invitae Variant Classification Sherloc (09022015). Collection method: clinical testing. Allele origin: germline.

Mayo Clinic Laboratories, Mayo Clinic
Classification: Likely benign. Last evaluated: 2025-07-14. Review status: criteria provided, single submitter. Criteria: ACMG Guidelines, 2015. Collection method: clinical testing. Allele origin: germline. Observed: 1 variant allele.
Comment: BP4, BP7

GeneDx
Classification: Likely benign. Last evaluated: 2019-11-11. Review status: criteria provided, single submitter. Criteria: GeneDx Variant Classification Process June 2021. Collection method: clinical testing. Allele origin: germline. Affected: yes.

NM_018238.4(AGK):c.327C>T (p.Leu109=)

Gene: AGK (acylglycerol kinase; plus strand). Cytogenetic location: 7q34.
Variant type: single nucleotide variant.
Coding change: c.327C>T on transcript NM_018238.4 (MANE Select); coding-DNA position 327, C replaced by T.
Protein change: p.Leu109=; no amino-acid change (leucine 109 retained).
Molecular consequence: synonymous variant.
Genome position (GRCh38, 1-based): chr7:141,611,224, C>T. VCF-style: chr7-141611224-C-T. GRCh37 (hg19) VCF-style: chr7-141311024-C-T.
Other names: p.Leu109=; c.327C>T, p.Leu109= (NM_001364948.3).
Identifiers: ClinVar variation 512456 (VCV000512456.10), dbSNP rs148971840, ClinGen allele CA4517394.